The following is an entry in ClinVar:

ClinVar aggregate classification (germline): Uncertain significance. Review status: criteria provided, multiple submitters, no conflicts (2 of 4 stars). 2 submissions from 2 submitters: Uncertain significance (2). Last evaluated 2025-06-25.

Allele frequency attached by ClinVar (database versions not stated): gnomAD exomes 0.00003; ExAC 0.00003; TOPMed 0.00001; gnomAD 0.00001.
gnomAD v4.1: 45 of 1,613,790 alleles (0.0028%); highest among the groups gnomAD compares: Non-Finnish European, 0.0036%; 1 homozygote.

Submissions (2):

GeneDx
Classification: Uncertain significance. Last evaluated: 2025-06-25. Review status: criteria provided, single submitter. Criteria: GeneDx Variant Classification Process June 2021. Collection method: clinical testing. Allele origin: germline. Affected: yes.
Comment: Not observed at significant frequency in large population cohorts (gnomAD); In silico analysis suggests that this missense variant does not alter protein structure/function; Has not been previously published as pathogenic or benign to our knowledge

Labcorp Genetics (formerly Invitae), Labcorp
Classification: Uncertain significance. Last evaluated: 2022-08-10. Review status: criteria provided, single submitter. Criteria: Invitae Variant Classification Sherloc (09022015). Collection method: clinical testing. Allele origin: germline.
Comment: This sequence change replaces glycine, which is neutral and non-polar, with arginine, which is basic and polar, at codon 88 of the COQ8A protein (p.Gly88Arg). This variant is present in population databases (rs750098045, gnomAD 0.006%). This variant has not been reported in the literature in individuals affected with COQ8A-related conditions. Advanced modeling of protein sequence and biophysical properties (such as structural, functional, and spatial information, amino acid conservation, physicochemical variation, residue mobility, and thermodynamic stability) performed at Invitae indicates that this missense variant is not expected to disrupt COQ8A protein function. In summary, the available evidence is currently insufficient to determine the role of this variant in disease. Therefore, it has been classified as a Variant of Uncertain Significance.

NM_020247.5(COQ8A):c.262G>A (p.Gly88Arg)

Gene: COQ8A (coenzyme Q8A; plus strand). Cytogenetic location: 1q42.13.
Variant type: single nucleotide variant.
Coding change: c.262G>A on transcript NM_020247.5 (MANE Select); coding-DNA position 262, G replaced by A.
Protein change: p.Gly88Arg; replaces glycine 88 with arginine.
Molecular consequence: missense variant.
Genome position (GRCh38, 1-based): chr1:226,965,084, G>A. VCF-style: chr1-226965084-G-A. GRCh37 (hg19) VCF-style: chr1-227152785-G-A.
Other names: c.262G>A (NM_020247.4); short protein forms G88R.
Identifiers: ClinVar variation 2177565 (VCV002177565.2), dbSNP rs750098045, ClinGen allele CA1424975.